The following is an entry in ClinVar:

ClinVar aggregate classification (germline): Benign/Likely benign. Review status: criteria provided, multiple submitters, no conflicts (2 of 4 stars). 4 submissions from 4 submitters: Benign (3); Likely benign (1). Last evaluated 2026-07-01.

Conditions:
Encephalopathy, acute, infection-induced (herpes-specific), susceptibility to, 1. Also called: Herpes simplex encephalitis, susceptibility to, 1. Identifiers: Orphanet 1930, MedGen C2750180, MONDO:0024563, OMIM 610551.

Allele frequency attached by ClinVar (database versions not stated): ExAC 0.00434; gnomAD exomes 0.00609; TOPMed 0.00647; 1000 Genomes Project 30x 0.00359; gnomAD 0.00509; 1000 Genomes Project 0.00339.
gnomAD v4.1: 13,286 of 1,499,800 alleles (0.89%); highest among the groups gnomAD compares: Non-Finnish European, 1.1%; 74 homozygotes.

Submissions (4):

CeGaT Center for Human Genetics Tuebingen
Classification: Benign. Last evaluated: 2026-07-01. Review status: criteria provided, single submitter. Criteria: CeGaT Center For Human Genetics Tuebingen Variant Classification Criteria Version 2. Collection method: clinical testing. Allele origin: germline. Affected: yes. Observed: 7 variant alleles.
Comment: UNC93B1: BP4, BP7, BS1, BS2

Blueprint Genetics
Classification: Likely benign. Last evaluated: 2024-11-21. Review status: criteria provided, single submitter. Criteria: ACMG Guidelines, 2015. Collection method: clinical testing. Allele origin: germline.

Labcorp Genetics (formerly Invitae), Labcorp
Classification: Benign for Herpes simplex encephalitis 1. Last evaluated: 2019-12-31. Review status: criteria provided, single submitter. Criteria: Invitae Variant Classification Sherloc (09022015). Collection method: clinical testing. Allele origin: germline.

Breakthrough Genomics
Classification: Benign. Review status: criteria provided, single submitter. Criteria: ACMG Guidelines, 2015. Collection method: not provided. Allele origin: germline. Inheritance: Unknown mechanism. Affected: yes.

NM_030930.4(UNC93B1):c.1725C>G (p.Pro575=)

Gene: UNC93B1 (unc-93B1 regulator of TLR signaling; minus strand). Cytogenetic location: 11q13.2.
Variant type: single nucleotide variant.
Coding change: c.1725C>G on transcript NM_030930.4 (MANE Select); coding-DNA position 1725, C replaced by G.
Protein change: p.Pro575=; no amino-acid change (proline 575 retained).
Molecular consequence: synonymous variant.
Genome position (GRCh38, 1-based): chr11:67,991,615, G>C on the plus strand (C>G on the coding strand, the complement: UNC93B1 is on the minus strand). VCF-style: chr11-67991615-G-C. GRCh37 (hg19) VCF-style: chr11-67759086-G-C.
Identifiers: ClinVar variation 782776 (VCV000782776.30), dbSNP rs568350079, ClinGen allele CA6145339.